The following is an entry in ClinVar:

ClinVar aggregate classification (germline): Uncertain significance (1 of 4 stars; one submission).

Conditions:
Hereditary spastic paraplegia 30. Identifiers: Orphanet 101010, MedGen C5235139, MONDO:0012476.
Neuropathy, hereditary sensory, type 2C. Also called: Hereditary sensory and autonomic neuropathy type IIC; KIF1A-Related HSAN2 (HSAN2C). Identifiers: Orphanet 970, MedGen C3280168, MONDO:0013634, OMIM 614213.
Intellectual disability, autosomal dominant 9 (NESCAVS). Also called: NESCAV SYNDROME; KIF1A-Related Neurodevelopmental Disorder. Identifiers: Orphanet 662367, MedGen C5393830, MONDO:0013656, OMIM 614255.

Submission:

Labcorp Genetics (formerly Invitae), Labcorp
Classification: Uncertain significance for Hereditary spastic paraplegia 30; Neuropathy, hereditary sensory, type 2C; Intellectual disability, autosomal dominant 9. Last evaluated: 2023-10-03. Review status: criteria provided, single submitter. Criteria: Invitae Variant Classification Sherloc (09022015). Collection method: clinical testing. Allele origin: germline.
Comment: This sequence change replaces threonine, which is neutral and polar, with serine, which is neutral and polar, at codon 395 of the KIF1A protein (p.Thr395Ser). This variant is not present in population databases (gnomAD no frequency). This variant has not been reported in the literature in individuals affected with KIF1A-related conditions. ClinVar contains an entry for this variant (Variation ID: 849143). Advanced modeling of protein sequence and biophysical properties (such as structural, functional, and spatial information, amino acid conservation, physicochemical variation, residue mobility, and thermodynamic stability) performed at Invitae indicates that this missense variant is expected to disrupt KIF1A protein function. In summary, the available evidence is currently insufficient to determine the role of this variant in disease. Therefore, it has been classified as a Variant of Uncertain Significance.

NM_001244008.2(KIF1A):c.1211C>G (p.Thr404Ser)

Gene: KIF1A (kinesin family member 1A; minus strand). Cytogenetic location: 2q37.3.
Variant type: single nucleotide variant.
Coding change: c.1211C>G on transcript NM_001244008.2 (MANE Select); coding-DNA position 1211, C replaced by G.
Protein change: p.Thr404Ser; replaces threonine 404 with serine.
Molecular consequence: missense variant.
Genome position (GRCh38, 1-based): chr2:240,771,101, G>C on the plus strand (C>G on the coding strand, the complement: KIF1A is on the minus strand). VCF-style: chr2-240771101-G-C. GRCh37 (hg19) VCF-style: chr2-241710518-G-C.
Other names: c.1211C>G, p.Thr404Ser (NM_001320705.2, NM_001330289.2, NM_001379638.1); c.1286C>G, p.Thr429Ser (NM_001330290.2, NM_001379631.1, NM_001379634.1 and 2 more transcripts); c.1184C>G, p.Thr395Ser (NM_001379632.1, NM_001379633.1, NM_001379636.1 and 10 more transcripts); c.1259C>G, p.Thr420Ser (NM_001379637.1, NM_001379648.1); short protein forms T395S, T404S, T429S, T420S.
Identifiers: ClinVar variation 849143 (VCV000849143.10), dbSNP rs2051903102, ClinGen allele CA351330663.